The following is an entry in ClinVar:

ClinVar aggregate classification (germline): Uncertain significance. Review status: criteria provided, single submitter (1 of 4 stars). 2 submissions from 2 submitters: Uncertain significance (1). 1 of the submissions does not count toward it. Last evaluated 2021-08-30.

Conditions:
Usher syndrome type 1 (USH1). Also called: RETINITIS PIGMENTOSA AND CONGENITAL DEAFNESS. Identifiers: Orphanet 231169, Orphanet 886, MedGen C1568247, MONDO:0010168, OMIM 276900.

Allele frequency attached by ClinVar (database versions not stated): gnomAD exomes 0.00001; ExAC 0.00003; gnomAD 0.00004 and 0.00003; TOPMed 0.00004.
gnomAD v4.1: 31 of 1,604,462 alleles (0.0019%); highest among the groups gnomAD compares: African/African-American, 0.0054%; no homozygotes.

Submissions (2):

Labcorp Genetics (formerly Invitae), Labcorp
Classification: Uncertain significance. Last evaluated: 2021-08-30. Review status: criteria provided, single submitter. Criteria: Invitae Variant Classification Sherloc (09022015). Collection method: clinical testing. Allele origin: germline.
Comment: This sequence change replaces isoleucine with threonine at codon 2875 of the CDH23 protein (p.Ile2875Thr). The isoleucine residue is moderately conserved and there is a moderate physicochemical difference between isoleucine and threonine. This variant is present in population databases (rs776064526, ExAC 0.02%). This variant has not been reported in the literature in individuals affected with CDH23-related conditions. Algorithms developed to predict the effect of missense changes on protein structure and function output the following: SIFT: "Deleterious"; PolyPhen-2: "Not Available"; Align-GVGD: "Class C0". The threonine amino acid residue is found in multiple mammalian species, which suggests that this missense change does not adversely affect protein function. In summary, the available evidence is currently insufficient to determine the role of this variant in disease. Therefore, it has been classified as a Variant of Uncertain Significance.

Natera, Inc.
Classification: Uncertain significance for Usher syndrome type 1. Last evaluated: 2020-09-16. Review status: no assertion criteria provided. Collection method: clinical testing. Allele origin: germline. Not counted in ClinVar's aggregate classification.

NM_022124.6(CDH23):c.8624T>C (p.Ile2875Thr)

Gene: CDH23 (cadherin related 23; plus strand). Cytogenetic location: 10q22.1.
Variant type: single nucleotide variant.
Coding change: c.8624T>C on transcript NM_022124.6 (MANE Select); coding-DNA position 8624, T replaced by C.
Protein change: p.Ile2875Thr; replaces isoleucine 2875 with threonine.
Molecular consequence: missense variant.
Genome position (GRCh38, 1-based): chr10:71,807,909, T>C. VCF-style: chr10-71807909-T-C. GRCh37 (hg19) VCF-style: chr10-73567666-T-C.
Other names: c.1904T>C, p.Ile635Thr (NM_001171933.1, NM_001171934.1); short protein forms I2875T, I635T.
Identifiers: ClinVar variation 837993 (VCV000837993.5), dbSNP rs776064526, ClinGen allele CA5546701.